The following is an entry in ClinVar:

NM_005219.5(DIAPH1):c.2779A>G (p.Met927Val)

Gene: DIAPH1 (diaphanous related formin 1; minus strand). Cytogenetic location: 5q31.3.
Variant type: single nucleotide variant.
Coding change: c.2779A>G on transcript NM_005219.5 (MANE Select); coding-DNA position 2779, A replaced by G.
Protein change: p.Met927Val; replaces methionine 927 with valine.
Molecular consequence: missense variant.
Genome position (GRCh38, 1-based): chr5:141,528,941, T>C on the plus strand (A>G on the coding strand, the complement: DIAPH1 is on the minus strand). VCF-style: chr5-141528941-T-C. GRCh37 (hg19) VCF-style: chr5-140908508-T-C.
Other names: c.2752A>G, p.Met918Val (NM_001079812.3); c.2779A>G, p.Met927Val (NM_001314007.2); short protein forms M918V, M927V.
Identifiers: ClinVar variation 905858 (VCV000905858.8), dbSNP rs1277130012, ClinGen allele CA361585531.

ClinVar aggregate classification (germline): Uncertain significance. Review status: criteria provided, multiple submitters, no conflicts (2 of 4 stars). 3 submissions from 3 submitters: Uncertain significance (3). Last evaluated 2023-10-03.

Conditions:
Autosomal dominant nonsyndromic hearing loss 1. Also called: DEAFNESS, AUTOSOMAL DOMINANT 1, WITH OR WITHOUT THROMBOCYTOPENIA; KONIGSMARK SYNDROME. Identifiers: Orphanet 90635, MedGen C1852282, MONDO:0007424, OMIM 124900.
Progressive microcephaly-seizures-cortical blindness-developmental delay syndrome. Also called: Seizures, cortical blindness, and microcephaly syndrome. Identifiers: Orphanet 477814, MedGen C5567650, MONDO:0014714, OMIM 616632.

Allele frequency attached by ClinVar (database versions not stated): gnomAD exomes below 0.00001; TOPMed 0.00001.
gnomAD v4.1: 5 of 1,613,726 alleles (0.00031%); highest among the groups gnomAD compares: South Asian, 0.0011%; no homozygotes.

Submissions (3):

Labcorp Genetics (formerly Invitae), Labcorp
Classification: Uncertain significance for Progressive microcephaly-seizures-cortical blindness-developmental delay syndrome; Autosomal dominant nonsyndromic hearing loss 1. Last evaluated: 2023-10-03. Review status: criteria provided, single submitter. Criteria: Invitae Variant Classification Sherloc (09022015). Collection method: clinical testing. Allele origin: germline.
Comment: This sequence change replaces methionine, which is neutral and non-polar, with valine, which is neutral and non-polar, at codon 927 of the DIAPH1 protein (p.Met927Val). This variant is present in population databases (no rsID available, gnomAD 0.0009%). This variant has not been reported in the literature in individuals affected with DIAPH1-related conditions. ClinVar contains an entry for this variant (Variation ID: 905858). An algorithm developed to predict the effect of missense changes on protein structure and function (PolyPhen-2) suggests that this variant is likely to be tolerated. In summary, the available evidence is currently insufficient to determine the role of this variant in disease. Therefore, it has been classified as a Variant of Uncertain Significance.

GeneDx
Classification: Uncertain significance. Last evaluated: 2019-04-17. Review status: criteria provided, single submitter. Criteria: GeneDx Variant Classification Process June 2021. Collection method: clinical testing. Allele origin: germline. Affected: yes.
Comment: In silico analysis, which includes protein predictors and evolutionary conservation, supports a deleterious effect; Has not been previously published as pathogenic or benign to our knowledge

Illumina Laboratory Services, Illumina
Classification: Uncertain significance for Autosomal dominant nonsyndromic hearing loss 1. Last evaluated: 2018-01-12. Review status: criteria provided, single submitter. Criteria: ICSL Variant Classification Criteria 13 December 2019. Collection method: clinical testing. Allele origin: germline.